The following is an entry in ClinVar:

NM_001378615.1(CC2D2A):c.2004-1G>A

Genes: CC2D2A (coiled-coil and C2 domain containing 2A; plus strand), FBXL5 (F-box and leucine rich repeat protein 5; minus strand). Cytogenetic location: 4p15.32.
Variant type: single nucleotide variant.
Coding change: c.2004-1G>A on transcript NM_001378615.1 (MANE Select); the canonical splice acceptor site of the intron before coding-DNA position 2004, G replaced by A.
Molecular consequence: splice acceptor variant.
Genome position (GRCh38, 1-based): chr4:15,540,836, G>A. VCF-style: chr4-15540836-G-A. GRCh37 (hg19) VCF-style: chr4-15542459-G-A.
Other names: c.2004-1G>A (NM_001080522.2); c.1857-1G>A (NM_001378617.1).
Identifiers: ClinVar variation 2090502 (VCV002090502.4), dbSNP rs1484983836, ClinGen allele CA356412067.

ClinVar aggregate classification (germline): Likely pathogenic (1 of 4 stars; one submission).

Conditions:
Joubert syndrome. Also called: JOUBERT-BOLTSHAUSER SYNDROME; Familial aplasia of the vermis. Identifiers: Orphanet 475, MedGen C5979921, MONDO:0018772.
Meckel-Gruber syndrome. Also called: DYSENCEPHALIA SPLANCHNOCYSTICA; GRUBER SYNDROME; Dysencephalia splachnocystica. Identifiers: Orphanet 564, MedGen C0265215, MONDO:0018921.

Allele frequency attached by ClinVar (database versions not stated): gnomAD exomes below 0.00001; gnomAD 0.00001.
gnomAD v4.1: 3 of 1,595,492 alleles (0.00019%); no homozygotes.

Submission:

Labcorp Genetics (formerly Invitae), Labcorp
Classification: Likely pathogenic for Joubert syndrome; Meckel-Gruber syndrome. Last evaluated: 2022-01-27. Review status: criteria provided, single submitter. Criteria: Invitae Variant Classification Sherloc (09022015). Collection method: clinical testing. Allele origin: germline.
Comment: This sequence change affects an acceptor splice site in intron 17 of the CC2D2A gene. It is expected to disrupt RNA splicing. Variants that disrupt the donor or acceptor splice site typically lead to a loss of protein function (PMID: 16199547), and loss-of-function variants in CC2D2A are known to be pathogenic (PMID: 19777577). This variant is present in population databases (no rsID available, gnomAD 0.03%). This variant has not been reported in the literature in individuals affected with CC2D2A-related conditions. Algorithms developed to predict the effect of sequence changes on RNA splicing suggest that this variant may disrupt the consensus splice site. In summary, the currently available evidence indicates that the variant is pathogenic, but additional data are needed to prove that conclusively. Therefore, this variant has been classified as Likely Pathogenic.

Literature cited by the submitters: PubMed 16199547; PubMed 19777577.